The following is an entry in ClinVar:

NM_015001.3(SPEN):c.10849C>A (p.Pro3617Thr)

Gene: SPEN (spen family transcriptional repressor; plus strand). Cytogenetic location: 1p36.13.
Variant type: single nucleotide variant.
Coding change: c.10849C>A on transcript NM_015001.3 (MANE Select); coding-DNA position 10849, C replaced by A.
Protein change: p.Pro3617Thr; replaces proline 3617 with threonine.
Molecular consequence: missense variant.
Genome position (GRCh38, 1-based): chr1:15,938,862, C>A. VCF-style: chr1-15938862-C-A. GRCh37 (hg19) VCF-style: chr1-16265357-C-A.
Other names: short protein forms P3617T.
Identifiers: ClinVar variation 2573744 (VCV002573744.1), dbSNP rs2523105500, ClinGen allele CA338667593.

ClinVar aggregate classification (germline): Uncertain significance (1 of 4 stars; one submission).

Submission:

GeneDx
Classification: Uncertain significance. Last evaluated: 2023-01-18. Review status: criteria provided, single submitter. Criteria: GeneDx Variant Classification Process June 2021. Collection method: clinical testing. Allele origin: germline. Affected: yes.
Comment: Not observed at significant frequency in large population cohorts (gnomAD); In silico analysis supports that this missense variant has a deleterious effect on protein structure/function; Has not been previously published as pathogenic or benign to our knowledge